The following is an entry in ClinVar:

ClinVar aggregate classification (germline): Uncertain significance. Review status: criteria provided, multiple submitters, no conflicts (2 of 4 stars). 2 submissions from 2 submitters: Uncertain significance (2). Last evaluated 2026-01-26.

Conditions:
PHIP-related disorder. Also called: PHIP-related disorders; PHIP-related condition.

Submissions (2):

PreventionGenetics, part of Exact Sciences
Classification: Uncertain significance for PHIP-related condition. Last evaluated: 2026-01-26. Review status: criteria provided, single submitter. Criteria: ACMG Guidelines, 2015. Collection method: clinical testing. Allele origin: germline.
Comment: The PHIP c.924C>G variant is predicted to result in the amino acid substitution p.Asn308Lys. To our knowledge, this variant has not been reported in the literature or in a large population database (gnomAD), indicating this variant is rare. At this time, the clinical significance of this variant is uncertain due to the absence of conclusive functional and genetic evidence.

GeneDx
Classification: Uncertain significance. Last evaluated: 2024-01-04. Review status: criteria provided, single submitter. Criteria: GeneDx Variant Classification Process June 2021. Collection method: clinical testing. Allele origin: germline. Affected: yes.
Comment: Not observed at significant frequency in large population cohorts (gnomAD); In silico analysis supports that this missense variant does not alter protein structure/function; Has not been previously published as pathogenic or benign to our knowledge

NM_017934.7(PHIP):c.924C>G (p.Asn308Lys)

Gene: PHIP (PHIP subunit of CUL4-Ring ligase complex; minus strand). Cytogenetic location: 6q14.1.
Variant type: single nucleotide variant.
Coding change: c.924C>G on transcript NM_017934.7 (MANE Select); coding-DNA position 924, C replaced by G.
Protein change: p.Asn308Lys; replaces asparagine 308 with lysine.
Molecular consequence: missense variant.
Genome position (GRCh38, 1-based): chr6:79,019,159, G>C on the plus strand (C>G on the coding strand, the complement: PHIP is on the minus strand). VCF-style: chr6-79019159-G-C. GRCh37 (hg19) VCF-style: chr6-79728876-G-C.
Other names: c.924C>G (NM_017934.6); short protein forms N308K.
Identifiers: ClinVar variation 3367482 (VCV003367482.2).